The following is an entry in ClinVar:

ClinVar aggregate classification (germline): Conflicting classifications of pathogenicity. Review status: criteria provided, conflicting classifications (1 of 4 stars). 2 submissions from 2 submitters: Likely pathogenic (1); Uncertain significance (1). Last evaluated 2024-12-10.

Conditions:
CPS1-related disorder. Also called: CPS1-related condition.
Congenital hyperammonemia, type I. Also called: Carbamoyl-phosphate synthase I deficiency; Carbamoyl phosphate synthetase 1 deficiency; Hyperammonemia due to carbamoyl phosphate synthetase 1 deficiency; CPS 1 deficiency; Carbamyl phosphate synthetase (CPS) deficiency; Carbamoyl phosphate synthetase I deficiency disease. Identifiers: Orphanet 147, MedGen C4082171, MONDO:0009376, OMIM 237300.

Submissions (2):

Labcorp Genetics (formerly Invitae), Labcorp
Classification: Uncertain significance for Congenital hyperammonemia, type I. Last evaluated: 2024-12-10. Review status: criteria provided, single submitter. Criteria: Invitae Variant Classification Sherloc (09022015). Collection method: clinical testing. Allele origin: germline.
Comment: This sequence change replaces glycine, which is neutral and non-polar, with serine, which is neutral and polar, at codon 130 of the CPS1 protein (p.Gly130Ser). This variant is present in population databases (rs779623064, gnomAD 0.006%). This variant has not been reported in the literature in individuals affected with CPS1-related conditions. Invitae Evidence Modeling of protein sequence and biophysical properties (such as structural, functional, and spatial information, amino acid conservation, physicochemical variation, residue mobility, and thermodynamic stability) has been performed for this missense variant. However, the output from this modeling did not meet the statistical confidence thresholds required to predict the impact of this variant on CPS1 protein function. In summary, the available evidence is currently insufficient to determine the role of this variant in disease. Therefore, it has been classified as a Variant of Uncertain Significance.

Blueprint Genetics
Classification: Likely pathogenic for CPS1-related disorders. Last evaluated: 2018-11-13. Review status: criteria provided, single submitter. Criteria: ACMG Guidelines, 2015. Collection method: clinical testing. Allele origin: germline. Affected: yes. Observed: 1 variant allele.

NM_001875.5(CPS1):c.388G>A (p.Gly130Ser)

Gene: CPS1 (carbamoyl-phosphate synthase 1; plus strand). Cytogenetic location: 2q34.
Variant type: single nucleotide variant.
Coding change: c.388G>A on transcript NM_001875.5 (MANE Select); coding-DNA position 388, G replaced by A.
Protein change: p.Gly130Ser; replaces glycine 130 with serine.
Molecular consequence: missense variant. On other transcripts: non-coding transcript variant (1).
Genome position (GRCh38, 1-based): chr2:210,577,427, G>A. VCF-style: chr2-210577427-G-A. GRCh37 (hg19) VCF-style: chr2-211442151-G-A.
Other names: c.388G>A, p.Gly130Ser (NM_001122633.3, NM_001369257.1); c.421G>A, p.Gly141Ser (NM_001369256.1); short protein forms G130S, G141S.
Identifiers: ClinVar variation 3705139 (VCV003705139.3).